The following is an entry in ClinVar:

NM_007294.4(BRCA1):c.1838G>T (p.Arg613Met)

Gene: BRCA1 (BRCA1 DNA repair associated; minus strand). Cytogenetic location: 17q21.31.
Variant type: single nucleotide variant.
Coding change: c.1838G>T on transcript NM_007294.4 (MANE Select); coding-DNA position 1838, G replaced by T.
Protein change: p.Arg613Met; replaces arginine 613 with methionine.
Molecular consequence: missense variant. On other transcripts: intron variant (137).
Genome position (GRCh38, 1-based): chr17:43,093,693, C>A on the plus strand (G>T on the coding strand, the complement: BRCA1 is on the minus strand). VCF-style: chr17-43093693-C-A. GRCh37 (hg19) VCF-style: chr17-41245710-C-A.
Other names: c.1574G>T, p.Arg525Met (NM_001407925.1, NM_001407929.1, NM_001407928.1 and 9 more transcripts); c.1715G>T, p.Arg572Met (NM_001407937.1, NM_001407938.1, NM_001407648.1 and 19 more transcripts); c.1571G>T, p.Arg524Met (NM_001407930.1, NM_001407931.1, NM_001407932.1 and 2 more transcripts); c.1625G>T, p.Arg542Met (NM_001407571.1, NM_001407853.1, NM_001407894.1 and 9 more transcripts); c.1838G>T, p.Arg613Met (NM_001407581.1, NM_001407582.1, NM_001407583.1 and 30 more transcripts); c.1835G>T, p.Arg612Met (NM_001407587.1, NM_001407590.1, NM_001407591.1 and 22 more transcripts); c.1829G>T, p.Arg610Met (NM_001407646.1, NM_001407647.1); c.1712G>T, p.Arg571Met (NM_001407649.1, NM_001407670.1, NM_001407671.1 and 11 more transcripts); and 40 more; short protein forms R566M, R613M, R445M, R486M, R542M, R543M, R572M, R587M.
Identifiers: ClinVar variation 820139 (VCV000820139.7), dbSNP rs786203937, ClinGen allele CA10598341.
Genomic context (GRCh38, chr17:43,093,693, plus strand): 5'-GGGCTTAGATTTCTACTGACTACTAGTTCAAGCGCATGAATATGCCTGGTAGAAGACTTC[C>A]TCCTCAGCCTATTCTTTTTAGGTGCTTTTGAATTGTGGATATTTAATTCGAGTTCCATAT-3'
Protein context (NP_009225.1, residues 603-623): SKAPKKNRLR[Arg613Met]KSSTRHIHAL

ClinVar aggregate classification (germline): Conflicting classifications of pathogenicity. Review status: criteria provided, conflicting classifications (1 of 4 stars). 2 submissions from 2 submitters: Uncertain significance (1); Likely benign (1). Last evaluated 2023-03-23.

Conditions:
Hereditary cancer-predisposing syndrome. Also called: Neoplastic Syndromes, Hereditary; Tumor predisposition; Hereditary Cancer Syndrome; Hereditary neoplastic syndrome. Identifiers: Orphanet 140162, MedGen C0027672, MeSH D009386, MONDO:0015356.

Submissions (2):

University of Washington Department of Laboratory Medicine, University of Washington
Classification: Likely benign for Hereditary cancer-predisposing syndrome. Last evaluated: 2023-03-23. Review status: criteria provided, single submitter. Criteria: Dines et al. (Genet Med. 2020). Collection method: curation. Allele origin: germline.
Comment: Missense variant in a coldspot region where missense variants are very unlikely to be pathogenic (PMID:31911673).

BRCA1 coldspot (exon 11 using historical exon numbering). Reclassification based on statistical prior probability

Ambry Genetics
Classification: Uncertain significance for Hereditary cancer-predisposing syndrome. Last evaluated: 2019-11-01. Review status: criteria provided, single submitter. Criteria: Ambry Variant Classification Scheme 2023. Collection method: clinical testing. Allele origin: germline.
Comment: The p.R613M variant (also known as c.1838G>T), located in coding exon 9 of the BRCA1 gene, results from a G to T substitution at nucleotide position 1838. The arginine at codon 613 is replaced by methionine, an amino acid with similar properties. This amino acid position is not well conserved in available vertebrate species. In addition, the in silico prediction for this alteration is inconclusive. Since supporting evidence is limited at this time, the clinical significance of this alteration remains unclear.